The following is an entry in ClinVar:

ClinVar aggregate classification (germline): Uncertain significance (1 of 4 stars; one submission).

Conditions:
Emery-Dreifuss muscular dystrophy 5, autosomal dominant (EDMD5). Also called: EMERY-DREIFUSS MUSCULAR DYSTROPHY 5. Identifiers: Orphanet 261, MedGen C2751805, MONDO:0013072, OMIM 612999.

Submission:

Labcorp Genetics (formerly Invitae), Labcorp
Classification: Uncertain significance for Emery-Dreifuss muscular dystrophy 5, autosomal dominant. Last evaluated: 2025-10-02. Review status: criteria provided, single submitter. Criteria: Invitae Variant Classification Sherloc (09022015). Collection method: clinical testing. Allele origin: germline.
Comment: This sequence change creates a premature translational stop signal (p.Tyr5651Cysfs*43) in the SYNE2 gene. It is expected to result in an absent or disrupted protein product. However, the current clinical and genetic evidence is not sufficient to establish whether loss-of-function variants in SYNE2 cause disease. This variant is not present in population databases (gnomAD no frequency). This variant has not been reported in the literature in individuals affected with SYNE2-related conditions. In summary, the available evidence is currently insufficient to determine the role of this variant in disease. Therefore, it has been classified as a Variant of Uncertain Significance.

NM_182914.3(SYNE2):c.16952_16953del (p.Tyr5651fs)

Gene: SYNE2 (spectrin repeat containing nuclear envelope protein 2; plus strand). Cytogenetic location: 14q23.2.
Variant type: Deletion.
Coding change: c.16952_16953del on transcript NM_182914.3 (MANE Select); coding-DNA positions 16952 to 16953, 2 bases deleted (AT; older notation c.16952_16953delAT).
Protein change: p.Tyr5651fs; shifts the reading frame from tyrosine 5651.
Molecular consequence: frameshift variant.
Genome position (GRCh38, 1-based): chr14:64,168,923-64,168,924, AT deleted; deleting any 2 consecutive bases within chr14:64,168,922-64,168,924 gives the same sequence; the c. name uses the placement nearest the transcript's 3' end. VCF-style (leftmost placement, unchanged base first): chr14-64168921-CTA-C. GRCh37 (hg19) VCF-style: chr14-64635639-CTA-C.
Other names: c.16952_16953del, p.Tyr5651fs (NM_015180.6); short protein forms Y5651fs.
Identifiers: ClinVar variation 4728282 (VCV004728282.1).